The following is an entry in ClinVar:

NM_003872.3(NRP2):c.665-8A>T

Gene: NRP2 (neuropilin 2; plus strand). Cytogenetic location: 2q33.3.
Variant type: single nucleotide variant.
Coding change: c.665-8A>T on transcript NM_003872.3 (MANE Select); 8 bases into the intron before coding-DNA position 665, A replaced by T.
Molecular consequence: intron variant.
Genome position (GRCh38, 1-based): chr2:205,723,777, A>T. VCF-style: chr2-205723777-A-T. GRCh37 (hg19) VCF-style: chr2-206588501-A-T.
Other names: c.665-8A>T (NM_201266.2, NM_201279.2, NM_018534.4 and 2 more transcripts).
Identifiers: ClinVar variation 3357983 (VCV003357983.1).

ClinVar aggregate classification (germline): Likely benign (0 of 4 stars; one submission).

Conditions:
NRP2-related disorder. Also called: NRP2-related condition.

gnomAD v4.1: 1 of 1,614,080 alleles (0.000062%); highest among the groups gnomAD compares: South Asian, 0.0011%; no homozygotes.

Submission:

PreventionGenetics, part of Exact Sciences
Classification: Likely benign for NRP2-related condition. Last evaluated: 2024-02-07. Review status: no assertion criteria provided. Collection method: clinical testing. Allele origin: germline.
Comment: This variant is classified as likely benign based on ACMG/AMP sequence variant interpretation guidelines (Richards et al. 2015 PMID: 25741868, with internal and published modifications).